The following is an entry in ClinVar:

ClinVar aggregate classification (germline): Likely pathogenic (1 of 4 stars; one submission).

Conditions:
Hereditary breast ovarian cancer syndrome. Also called: Hereditary breast and ovarian cancer syndrome; Hereditary breast and ovarian cancer; Hereditary breast and ovarian cancer syndrome (HBOC); Breast and ovarian cancer; Hereditary breast and/or ovarian cancer syndrome; BRCA1- and BRCA2-Associated Hereditary Breast and Ovarian Cancer. Identifiers: Orphanet 145, MedGen C0677776, MeSH D061325, MONDO:0003582. Disease mechanism: loss of function.

Allele frequency attached by ClinVar (database versions not stated): gnomAD exomes below 0.00001.
gnomAD v4.1: 1 of 1,613,872 alleles (0.000062%); highest among the groups gnomAD compares: Non-Finnish European, 0.000085%; no homozygotes.

Submission:

Laboratory for Molecular Medicine, Mass General Brigham Personalized Medicine
Classification: Likely pathogenic for Hereditary breast ovarian cancer syndrome. Last evaluated: 2019-10-14. Review status: criteria provided, single submitter. Criteria: ACMG Guidelines, 2015. Collection method: clinical testing. Allele origin: germline.
Comment: The p.Gly876X variant in BRCA1 has not been previously reported in individuals with hereditary breast and/or ovarian cancer (HBOC) and was absent from large population studies. This nonsense variant leads to a premature termination codon at position 876, which is predicted to lead to a truncated or absent protein. Loss of function of the BRCA1 gene is an established disease mechanism in autosomal dominant HBOC. In summary, although additional studies are required to fully establish its clinical significance, this variant meets criteria to be classified as likely pathogenic for autosomal dominant HBOC. ACMG/AMP Criteria applied: PVS1, PM2.

NM_007294.4(BRCA1):c.2626G>T (p.Gly876Ter)

Gene: BRCA1 (BRCA1 DNA repair associated; minus strand). Cytogenetic location: 17q21.31.
Variant type: single nucleotide variant.
Coding change: c.2626G>T on transcript NM_007294.4 (MANE Select); coding-DNA position 2626, G replaced by T.
Protein change: p.Gly876Ter; replaces glycine 876 with a stop codon.
Molecular consequence: nonsense. On other transcripts: intron variant (137).
Genome position (GRCh38, 1-based): chr17:43,092,905, C>A on the plus strand (G>T on the coding strand, the complement: BRCA1 is on the minus strand). VCF-style: chr17-43092905-C-A. GRCh37 (hg19) VCF-style: chr17-41244922-C-A.
Other names: c.661+1839G>T (NM_001408448.1, NM_001408446.1, NM_001408435.1 and 6 more transcripts); c.668-1873G>T (NM_001408421.1, NM_001408431.1, NM_001408424.1); c.784+1839G>T (NM_001407991.1, NM_001408397.1, NM_001408401.1 and 13 more transcripts); c.646+1839G>T (NM_001408454.1, NM_001408460.1, NM_001408458.1 and 11 more transcripts); c.706+1839G>T (NM_001408413.1, NM_001408416.1); c.586+1839G>T (NM_001408476.1, NM_001408474.1); c.664+1839G>T (NM_001408427.1, NM_001408436.1, NM_001408444.1 and 12 more transcripts); c.523+1839G>T (NM_001408496.1, NM_001408498.1, NM_001408501.1 and 3 more transcripts); and 41 more; short protein forms G580*, G708*, G748*, G749*, G764*, G765*, G787*, G788*.
Identifiers: ClinVar variation 3075794 (VCV003075794.1), dbSNP rs1567794885, ClinGen allele CA10596741.